The following is an entry in ClinVar:

NM_000321.3(RB1):c.968A>C (p.Glu323Ala)

Gene: RB1 (RB transcriptional corepressor 1; plus strand). Cytogenetic location: 13q14.2.
Variant type: single nucleotide variant.
Coding change: c.968A>C on transcript NM_000321.3 (MANE Select); coding-DNA position 968, A replaced by C.
Protein change: p.Glu323Ala; replaces glutamic acid 323 with alanine.
Molecular consequence: missense variant.
Genome position (GRCh38, 1-based): chr13:48,367,522, A>C. VCF-style: chr13-48367522-A-C. GRCh37 (hg19) VCF-style: chr13-48941658-A-C.
Other names: c.968A>C, p.Glu323Ala (NM_001407165.1, NM_001407166.1); short protein forms E323A.
Identifiers: ClinVar variation 3430875 (VCV003430875.1).

ClinVar aggregate classification (germline): Uncertain significance (1 of 4 stars; one submission).

Conditions:
Hereditary cancer-predisposing syndrome. Also called: Neoplastic Syndromes, Hereditary; Tumor predisposition; Hereditary Cancer Syndrome; Hereditary neoplastic syndrome. Identifiers: Orphanet 140162, MedGen C0027672, MeSH D009386, MONDO:0015356.

Submission:

Ambry Genetics
Classification: Uncertain significance for Hereditary cancer-predisposing syndrome. Last evaluated: 2024-08-12. Review status: criteria provided, single submitter. Criteria: Ambry Variant Classification Scheme 2023. Collection method: clinical testing. Allele origin: germline.
Comment: The p.E323A variant (also known as c.968A>C), located in coding exon 10 of the RB1 gene, results from an A to C substitution at nucleotide position 968. The glutamic acid at codon 323 is replaced by alanine, an amino acid with dissimilar properties. This amino acid position is conserved. In addition, the in silico prediction for this alteration is inconclusive. Based on the available evidence, the clinical significance of this variant remains unclear.